The following is an entry in ClinVar:

NM_005876.5(SPEG):c.4019G>A (p.Arg1340Gln)

Gene: SPEG (striated muscle enriched protein kinase; plus strand). Cytogenetic location: 2q35.
Variant type: single nucleotide variant.
Coding change: c.4019G>A on transcript NM_005876.5 (MANE Select); coding-DNA position 4019, G replaced by A.
Protein change: p.Arg1340Gln; replaces arginine 1340 with glutamine.
Molecular consequence: missense variant.
Genome position (GRCh38, 1-based): chr2:219,472,968, G>A. VCF-style: chr2-219472968-G-A. GRCh37 (hg19) VCF-style: chr2-220337690-G-A.
Other names: p.Arg1340Gln; short protein forms R1340Q.
Identifiers: ClinVar variation 712507 (VCV000712507.41), dbSNP rs34994343, ClinGen allele CA2126378.
Genomic context (GRCh38, chr2:219,472,968, plus strand): 5'-ACACAGTGCAGCACCAGGTGCTGGGCTCGGACCAGTGGACGGCACTGGTCACAGGCCTGC[G>A]GGAGCCAGGGTGGGCAGCCACAGGGCTGCGTAAGGGGGTCCAGCACATCTTCCGGGTCCT-3'
Protein context (NP_005867.3, residues 1330-1350): DQWTALVTGL[Arg1340Gln]EPGWAATGLR

ClinVar aggregate classification (germline): Benign/Likely benign. Review status: criteria provided, multiple submitters, no conflicts (2 of 4 stars). 6 submissions from 6 submitters: Benign (4); Likely benign (1). 1 of the submissions does not count toward it. Last evaluated 2026-09-01.

Conditions:
SPEG-related disorder. Also called: SPEG-related condition.

Allele frequency attached by ClinVar (database versions not stated): 1000 Genomes Project 0.00579; 1000 Genomes Project 30x 0.00625; ExAC 0.00829; TOPMed 0.00994; gnomAD 0.01040 and 0.01112; ESP Exome Variant Server 0.01116.
gnomAD v4.1: 17,511 of 1,613,788 alleles (1.1%); highest among the groups gnomAD compares: Non-Finnish European, 1.3%; 115 homozygotes.

Submissions (6):

CeGaT Center for Human Genetics Tuebingen
Classification: Benign. Last evaluated: 2026-09-01. Review status: criteria provided, single submitter. Criteria: CeGaT Center For Human Genetics Tuebingen Variant Classification Criteria Version 2. Collection method: clinical testing. Allele origin: germline. Affected: yes. Observed: 28 variant alleles.
Comment: SPEG: BP4, BS1, BS2

Labcorp Genetics (formerly Invitae), Labcorp
Classification: Benign. Last evaluated: 2026-02-01. Review status: criteria provided, single submitter. Criteria: Invitae Variant Classification Sherloc (09022015). Collection method: clinical testing. Allele origin: germline.

Blueprint Genetics
Classification: Likely benign. Last evaluated: 2024-11-25. Review status: criteria provided, single submitter. Criteria: ACMG Guidelines, 2015. Collection method: clinical testing. Allele origin: germline.

Mayo Clinic Laboratories, Mayo Clinic
Classification: Benign. Last evaluated: 2023-08-17. Review status: criteria provided, single submitter. Criteria: ACMG Guidelines, 2015. Collection method: clinical testing. Allele origin: germline. Observed: 14 variant alleles.

Breakthrough Genomics
Classification: Benign. Review status: criteria provided, single submitter. Criteria: ACMG Guidelines, 2015. Collection method: not provided. Allele origin: germline. Inheritance: Autosomal recessive inheritance. Affected: yes.

PreventionGenetics, part of Exact Sciences
Classification: Benign for SPEG-related condition. Last evaluated: 2019-07-12. Review status: no assertion criteria provided. Collection method: clinical testing. Allele origin: germline. Not counted in ClinVar's aggregate classification.
Comment: This variant is classified as benign based on ACMG/AMP sequence variant interpretation guidelines (Richards et al. 2015 PMID: 25741868, with internal and published modifications).